The following is an entry in ClinVar:

NM_000435.3(NOTCH3):c.6596G>C (p.Gly2199Ala)

Gene: NOTCH3 (notch receptor 3; minus strand). Cytogenetic location: 19p13.12.
Variant type: single nucleotide variant.
Coding change: c.6596G>C on transcript NM_000435.3 (MANE Select); coding-DNA position 6596, G replaced by C.
Protein change: p.Gly2199Ala; replaces glycine 2199 with alanine.
Molecular consequence: missense variant.
Genome position (GRCh38, 1-based): chr19:15,161,032, C>G on the plus strand (G>C on the coding strand, the complement: NOTCH3 is on the minus strand). VCF-style: chr19-15161032-C-G. GRCh37 (hg19) VCF-style: chr19-15271843-C-G.
Other names: short protein forms G2199A.
Identifiers: ClinVar variation 4839093 (VCV004839093.1).
Genomic context (GRCh38, chr19:15,161,032, plus strand): 5'-TCGCCATGTCCTGGGACTGCCAGGTAAGGCGGGGGCCGCTCCTGCGGGGAGACGGGGGTC[C>G]CTGGGTTGAGCAGCTGGGGTCCCGGCGCCAGTGGCAGCAGGAACGAGGGGCCTGGAGGGG-3'
Protein context (NP_000426.2, residues 2189-2209): LAPGPQLLNP[Gly2199Ala]TPVSPQERPP

ClinVar aggregate classification (germline): Uncertain significance (1 of 4 stars; one submission).

Conditions:
Inborn genetic diseases. Identifiers: MedGen C0950123, MeSH D030342.

Submission:

Ambry Genetics
Classification: Uncertain significance for Inborn genetic diseases. Last evaluated: 2026-01-05. Review status: criteria provided, single submitter. Criteria: Ambry Variant Classification Scheme 2023. Collection method: clinical testing. Allele origin: germline.
Comment: The c.6596G>C (p.G2199A) alteration is located in exon 33 (coding exon 33) of the NOTCH3 gene. This alteration results from a G to C substitution at nucleotide position 6596, causing the glycine (G) at amino acid position 2199 to be replaced by an alanine (A). Based on data from gnomAD, the C allele has an overall frequency of 0.001% (1/148532) total alleles studied. The highest observed frequency was 0.005% (1/21612) of South Asian alleles. Based on insufficient or conflicting evidence, the clinical significance of this alteration remains unclear.